The following is an entry in ClinVar:

NM_014159.7(SETD2):c.2824G>A (p.Gly942Arg)

Gene: SETD2 (SET domain containing 2, histone lysine methyltransferase; minus strand). Cytogenetic location: 3p21.31.
Variant type: single nucleotide variant.
Coding change: c.2824G>A on transcript NM_014159.7 (MANE Select); coding-DNA position 2824, G replaced by A.
Protein change: p.Gly942Arg; replaces glycine 942 with arginine.
Molecular consequence: missense variant. On other transcripts: non-coding transcript variant (1).
Genome position (GRCh38, 1-based): chr3:47,121,812, C>T on the plus strand (G>A on the coding strand, the complement: SETD2 is on the minus strand). VCF-style: chr3-47121812-C-T. GRCh37 (hg19) VCF-style: chr3-47163302-C-T.
Other names: c.2692G>A, p.Gly898Arg (NM_001349370.3); short protein forms G942R, G898R.
Identifiers: ClinVar variation 135232 (VCV000135232.1), dbSNP rs587778672, ClinGen allele CA162089.

ClinVar aggregate classification (germline): not provided (0 of 4 stars; one submission).

Allele frequency attached by ClinVar (database versions not stated): gnomAD exomes below 0.00001.
gnomAD v4.1: 8 of 1,614,112 alleles (0.0005%); highest among the groups gnomAD compares: East Asian, 0.0045%; no homozygotes.

Submission:

ITMI
No classification provided. Condition: AllHighlyPenetrant. Last evaluated: 2013-09-19. Review status: no classification provided. Collection method: reference population. Allele origin: germline.
Comment: Please see associated publication for description of ethnicities

Literature cited by the submitters: PubMed 24728327.